The following is an entry in ClinVar:

ClinVar aggregate classification (germline): Likely benign (1 of 4 stars; one submission).

Submission:

GeneDx
Classification: Likely benign. Last evaluated: 2021-05-24. Review status: criteria provided, single submitter. Criteria: GeneDx Variant Classification Process June 2021. Collection method: clinical testing. Allele origin: germline. Affected: yes.
Comment: See Variant Classification Assertion Criteria.

NM_002465.4(MYBPC1):c.2357-801AC[5]

Gene: MYBPC1 (myosin binding protein C1; plus strand). Cytogenetic location: 12q23.2.
Variant type: Microsatellite.
Coding change: c.2357-801AC[5] on transcript NM_002465.4 (MANE Select); five copies in a row of the 2-base unit AC starting at c.2357-801.
Molecular consequence: intron variant.
Genome position: GRCh38 VCF-style: chr12-101666930-TAC-T. GRCh37 (hg19) VCF-style: chr12-102060708-TAC-T.
Other names: c.2357-801AC[5] (NM_206819.4, NM_001404675.1); c.2335+134AC[5] (NM_001254718.3, NM_206820.4); c.2282-801AC[5] (NM_001254719.3, NM_206821.4); c.2225-801AC[5] (NM_001254721.3, NM_001404678.1, NM_001404676.1); c.2246-801AC[5] (NM_001254720.3); c.2243-801AC[5] (NM_001254723.3); c.2204-801AC[5] (NM_001254722.3, NM_001404680.1); c.2147-801AC[5] (NM_001404679.1, NM_001404681.1, NM_001404677.1).
Identifiers: ClinVar variation 2662852 (VCV002662852.1), dbSNP rs564354596, ClinGen allele CA607148549.